The following is an entry in ClinVar:

ClinVar aggregate classification (germline): Uncertain significance (1 of 4 stars; one submission).

Conditions:
Inborn genetic diseases. Identifiers: MedGen C0950123, MeSH D030342.

Allele frequency attached by ClinVar (database versions not stated): gnomAD exomes below 0.00001; ExAC 0.00001; TOPMed 0.00004; gnomAD 0.00005.
gnomAD v4.1: 8 of 1,613,924 alleles (0.0005%); highest among the groups gnomAD compares: African/African-American, 0.0093%; no homozygotes.

Submission:

Ambry Genetics
Classification: Uncertain significance for Inborn genetic diseases. Last evaluated: 2024-11-21. Review status: criteria provided, single submitter. Criteria: Ambry Variant Classification Scheme 2023. Collection method: clinical testing. Allele origin: germline.
Comment: The p.Y462C variant (also known as c.1385A>G), located in coding exon 15 of the FANCA gene, results from an A to G substitution at nucleotide position 1385. The tyrosine at codon 462 is replaced by cysteine, an amino acid with highly dissimilar properties. This amino acid position is conserved. In addition, this alteration is predicted to be tolerated by in silico analysis. Based on the available evidence, the clinical significance of this variant remains unclear.

NM_000135.4(FANCA):c.1385A>G (p.Tyr462Cys)

Gene: FANCA (FA complementation group A; minus strand). Cytogenetic location: 16q24.3.
Variant type: single nucleotide variant.
Coding change: c.1385A>G on transcript NM_000135.4 (MANE Select); coding-DNA position 1385, A replaced by G.
Protein change: p.Tyr462Cys; replaces tyrosine 462 with cysteine.
Molecular consequence: missense variant.
Genome position (GRCh38, 1-based): chr16:89,784,939, T>C on the plus strand (A>G on the coding strand, the complement: FANCA is on the minus strand). VCF-style: chr16-89784939-T-C. GRCh37 (hg19) VCF-style: chr16-89851347-T-C.
Other names: c.1385A>G, p.Tyr462Cys (NM_001286167.3); short protein forms Y462C.
Identifiers: ClinVar variation 2322976 (VCV002322976.3), dbSNP rs778623008, ClinGen allele CA8252348.